The following continues an entry in ClinVar:

NM_000478.6(ALPL):c.571G>A (p.Glu191Lys)

Gene: ALPL. ClinVar aggregate classification (germline): Pathogenic/Likely pathogenic. Pathogenic (35); Likely pathogenic (1).

Submissions 8 to 25 of 49:

Victorian Clinical Genetics Services, Murdoch Childrens Research Institute
Classification: Pathogenic for ALPL-related autosomal dominant hypophosphatasia. Last evaluated: 2026-01-06. Review status: criteria provided, single submitter. Criteria: ACMG Guidelines, 2015. Collection method: clinical testing. Allele origin: germline. Affected: yes.
Comment: This variant is classified as Pathogenic. Evidence in support of pathogenic classification: This variant has strong previous evidence of pathogenicity in unrelated individuals. This is a well-established pathogenic variant and has been observed in many individuals with both recessive and dominant hypophophatasia (ClinVar, PMIDs: 32973344, 32811521) ; This variant has moderate functional evidence supporting abnormal protein function. Site directed mutagenesis studies have shown this variant results in residual enzyme activity of 56% compared to wild type and is thought to be a moderate impact allele (PMID: 19500388); Missense variant predicted to be damaging by in silico tool(s) or highly conserved with a major amino acid change. Additional information: Variant is predicted to result in a missense amino acid change from Glu to Lys; This variant is heterozygous; This gene is associated with both recessive and dominant disease. Severe forms of hypophosphatasia (perinatal and infantile) are generally associated with autosomal recessive disease, while the milder forms of hypophosphatasia (childhood, adult and odontohypophosphatasia) have been associated with both autosomal dominant and recessive disease (PMIDs: 19500388, 23688511); Variant is present in gnomAD v2 >=0.01 and <0.03 for a recessive condition (689 heterozygotes, 5 homozygotes); An alternative amino acid change at the same position has been observed in gnomAD (v2) (1 heterozygote, 0 homozygotes); Variant is located in the annotated alkaline phosphatase domain (DECIPHER); Dominant negative and loss of function are known mechanisms of disease in this gene. Later-onset/mild disease is associated with monoallelic dominant negative variants or biallelic loss of function variants that retain residual enzyme activity, while early-onset/severe disease is caused by more complete loss of function variants (PMIDs: 20301329, 19500388); The condition associated with this gene has incomplete penetrance (PMID: 20301329); Variants in this gene are known to have variable expressivity (PMID: 20301329); Inheritance information for this variant is not currently available in this individual.

Variantyx, Inc.
Classification: Pathogenic for Adult hypophosphatasia. Last evaluated: 2025-12-15. Review status: criteria provided, single submitter. Criteria: Variantyx Assertion Criteria 2022. Collection method: clinical testing. Allele origin: germline. Inheritance: Autosomal dominant inheritance.
Comment: This is a nonsynonymous variant in the ALPL gene (OMIM: 171760). Pathogenic variants in this gene have been associated with autosomal dominant or autosomal recessive adult hypophosphatasia. This is an established founder variant in the Western European population (PMID: 12357339) (PS4) and it has been found in 31% of individuals with mild hypophosphatasia (PMID: 12357339). Functional studies have shown that this variant alters ALPL protein function (PMID: 24569605, 19500388) (PS3). This variant lies within a known hotspot for pathogenic variants or a well-established critical functional domain of the ALPL protein (PM1) and multiple computational algorithms predict a deleterious effect for this variant (REVEL score: 0.844) (PP3). This variant has a 0.0948% maximum allele frequency in non-founder control populations. Inheritance from an unaffected or mildly affected parent has been reported, consistent with incomplete penetrance and variable expressivity (PMID: 20301329). Based on the current evidence, this variant is classified as pathogenic with reduced penetrance¬† for autosomal dominant adult hypophosphatasia.

Otogenetics
Classification: Pathogenic for Infantile hypophosphatasia; Adult hypophosphatasia; Childhood hypophosphatasia; Hypophosphatasia. Last evaluated: 2025-09-02. Review status: criteria provided, single submitter. Criteria: ACMG Guidelines, 2015. Collection method: clinical testing. Allele origin: germline.
Comment: PS3: Well-established in vitro and in vivo functional studies supportive of damaging effect on the gene product, with low residual enzymatic activity relative to wild-type reported (PMID: 1409720, 20739387, 24569605, 32160374); PM1: Non-truncating non-synonymous variant located in a mutational hot spot of exon 6; PM3: Variant reported in trans with 2 other pathogenic variants in 3 affected patients, phase confirmed by parental testing (PMID: 24569605, 33093890); PM5: Pathogenic missense amino acid change occurs in same position: c.572A>G;p.Glu191Gly (PMID: 31600233); PP3: In-silico models predict deleterious effect (Revel = 0.84, BayesDel = 0.44)

Genomenon, Inc
Classification: Pathogenic for Hypophosphatasia. Last evaluated: 2025-08-29. Review status: criteria provided, single submitter. Criteria: Genomenon Sequence Variant Interpretation Standards. Collection method: curation. Allele origin: germline. Affected: yes.
Comment: ALPL c.571G>A is a missense variant that changes the amino acid at residue 191 from Glutamic acid to Lysine. This variant has been observed in multiple probands affected with hypophosphatasia (PMID:34258332;25731960;19500388;12357339;29774402;32811521;11438998;33101980;20739387;24569605). The variant was found to segregate with disease in at least one affected family (PMID:33101980;20739387;24569605). At least one functional study has demonstrated a substantial alteration in protein function relative to the wild-type (PMID:32160374). This variant has been described as Glu174Lys in the literature. In silico models agree that this variant is possibly or probably damaging. In conclusion, we classify ALPL p.Glu191Lys (c.571G>A) as a pathogenic variant.

Natera, Inc.
Classification: Pathogenic for Hypophosphatasia. Last evaluated: 2025-07-07. Review status: criteria provided, single submitter. Criteria: Natera Variant Classification Schema (03/2026). Collection method: clinical testing. Allele origin: germline.
Comment: The c.571G>A variant in ALPL is a missense variant predicted to cause substitution of glutamic acid to lysine at amino acid 191. This variant has been observed in one or more individuals affected with the associated recessive disease, as either homozygous or compound heterozygous with a second variant (PMID: 38933926, 37600704). Given the available evidence, this variant is classified as Pathogenic.

Centre for Clinical Genetics and Genomic Diagnostics, Zealand University Hospital
Classification: Pathogenic. Last evaluated: 2025-05-20. Review status: criteria provided, single submitter. Criteria: ACMG Guidelines, 2015. Collection method: clinical testing. Allele origin: germline. Affected: yes.

Center for Genomic Medicine, Rigshospitalet, Copenhagen University Hospital
Classification: Pathogenic. Last evaluated: 2025-03-04. Review status: criteria provided, single submitter. Criteria: ACMG Guidelines, 2015. Collection method: clinical testing. Allele origin: germline.

Blueprint Genetics
Classification: Pathogenic for ALPL-related disorders. Last evaluated: 2024-11-22. Review status: criteria provided, single submitter. Criteria: ACMG Guidelines, 2015. Collection method: clinical testing. Allele origin: germline. Affected: yes. Observed: 5 variant alleles.

Revvity Omics, Revvity
Classification: Pathogenic. Last evaluated: 2024-09-02. Review status: criteria provided, single submitter. Criteria: ACMG Guidelines, 2015. Collection method: clinical testing. Allele origin: germline.

Baylor Genetics
Classification: Pathogenic for Adult hypophosphatasia. Last evaluated: 2024-03-27. Review status: criteria provided, single submitter. Criteria: ACMG Guidelines, 2015. Collection method: clinical testing. Allele origin: unknown.

Baylor Genetics
Classification: Pathogenic for Hypophosphatasia. Last evaluated: 2024-02-15. Review status: criteria provided, single submitter. Criteria: ACMG Guidelines, 2015. Collection method: clinical testing. Allele origin: unknown.

Mayo Clinic Laboratories, Mayo Clinic
Classification: Pathogenic. Last evaluated: 2024-01-31. Review status: criteria provided, single submitter. Criteria: ACMG Guidelines, 2015. Collection method: clinical testing. Allele origin: germline. Observed: 1 variant allele.
Comment: PP3, PM3_very_strong, PS3, PS4

Department of Pathology and Laboratory Medicine, Sinai Health System
Classification: Pathogenic for Adult hypophosphatasia; Childhood hypophosphatasia; Infantile hypophosphatasia. Last evaluated: 2023-04-08. Review status: criteria provided, single submitter. Criteria: ACMG Guidelines, 2015. Collection method: research. Allele origin: germline.

MGZ Medical Genetics Center
Classification: Pathogenic for Childhood hypophosphatasia. Last evaluated: 2022-06-13. Review status: criteria provided, single submitter. Criteria: ACMG Guidelines, 2015. Collection method: clinical testing. Allele origin: germline. Affected: yes. Observed: 3 variant alleles.
Comment: ACMG criteria applied: PS3, PS4, PM3, PM5, PP1, PP3

Clinical Genetics Laboratory, Skane University Hospital Lund
Classification: Pathogenic. Last evaluated: 2022-05-27. Review status: criteria provided, single submitter. Criteria: ACMG Guidelines, 2015. Collection method: clinical testing. Allele origin: germline. Affected: yes.

Mendelics
Classification: Pathogenic for Adult hypophosphatasia. Last evaluated: 2022-05-04. Review status: criteria provided, single submitter. Criteria: Mendelics Assertion Criteria 2019. Collection method: clinical testing. Allele origin: germline.

GeneDx
Classification: Pathogenic. Last evaluated: 2022-02-11. Review status: criteria provided, single submitter. Criteria: GeneDx Variant Classification Process June 2021. Collection method: clinical testing. Allele origin: germline. Affected: yes.
Comment: Published functional studies demonstrate that E191K has delayed membrane anchoring (Brun-Heath et al., 2007) and relatively high residual alkaline phosphatase activity (56% and 88% of wildtype), though no dominant negative effect was observed (Zurutuza et al., 1999; Fauvert et al., 2009; Hofmann et al., 2014); In silico analysis, which includes protein predictors and evolutionary conservation, supports that this variant does not alter protein structure/function; This variant is associated with the following publications: (PMID: 24569605, 20739387, 1409720, 19500388, 11855933, 10332035, 18328985, 17719863, 11438998, 12357339, 29659871, 10679946, 19232125, 27920814, 10737975, 29236161, 15671102, 32160374, 31589614, 33083013, 8606878, 33101980, 34213743, 33093890, 33549410)

Centre of Medical Genetics, University Hospital Muenster
Classification: Likely pathogenic. Last evaluated: 2021-12-16. Review status: criteria provided, single submitter. Criteria: ACMG Guidelines, 2015. Collection method: clinical testing. Allele origin: unknown. Affected: yes. Observed: 1 variant allele, 1 heterozygote.
Comment: ACMG categories: PS3,PM1,PP3,PP5,BS1